The following is an entry in ClinVar:

NM_014874.4(MFN2):c.1496A>T (p.Asp499Val)

Gene: MFN2 (mitofusin 2; plus strand). Cytogenetic location: 1p36.22.
Variant type: single nucleotide variant.
Coding change: c.1496A>T on transcript NM_014874.4 (MANE Select); coding-DNA position 1496, A replaced by T.
Protein change: p.Asp499Val; replaces aspartic acid 499 with valine.
Molecular consequence: missense variant.
Genome position (GRCh38, 1-based): chr1:12,005,711, A>T. VCF-style: chr1-12005711-A-T. GRCh37 (hg19) VCF-style: chr1-12065768-A-T.
Other names: c.1496A>T, p.Asp499Val (NM_001127660.2); short protein forms D499V.
Identifiers: ClinVar variation 2063038 (VCV002063038.4), dbSNP rs1639378035, ClinGen allele CA338447820.

ClinVar aggregate classification (germline): Uncertain significance (1 of 4 stars; one submission).

Conditions:
Charcot-Marie-Tooth disease type 2. Also called: Charcot-Marie-Tooth type 2. Identifiers: Orphanet 64746, MedGen C0270914, MONDO:0018993.

Allele frequency attached by ClinVar (database versions not stated): TOPMed below 0.00001; gnomAD exomes below 0.00001.
gnomAD v4.1: 1 of 1,614,104 alleles (0.000062%); highest among the groups gnomAD compares: Non-Finnish European, 0.000085%; no homozygotes.

Submission:

Labcorp Genetics (formerly Invitae), Labcorp
Classification: Uncertain significance for Charcot-Marie-Tooth disease type 2. Last evaluated: 2021-12-27. Review status: criteria provided, single submitter. Criteria: Invitae Variant Classification Sherloc (09022015). Collection method: clinical testing. Allele origin: germline.
Comment: This sequence change replaces aspartic acid, which is acidic and polar, with valine, which is neutral and non-polar, at codon 499 of the MFN2 protein (p.Asp499Val). This variant is not present in population databases (gnomAD no frequency). This variant has not been reported in the literature in individuals affected with MFN2-related conditions. Algorithms developed to predict the effect of missense changes on protein structure and function are either unavailable or do not agree on the potential impact of this missense change (SIFT: "Deleterious"; PolyPhen-2: "Possibly Damaging"; Align-GVGD: "Class C0"). In summary, the available evidence is currently insufficient to determine the role of this variant in disease. Therefore, it has been classified as a Variant of Uncertain Significance.